The following is an entry in ClinVar:

NM_000548.5(TSC2):c.5138_5149del (p.Arg1713_Ala1716del)

Gene: TSC2 (TSC complex subunit 2; plus strand). Cytogenetic location: 16p13.3.
Variant type: Deletion.
Coding change: c.5138_5149del on transcript NM_000548.5 (MANE Select); coding-DNA positions 5138 to 5149, 12 bases deleted (GCCAGATGGCCC).
Protein change: p.Arg1713_Ala1716del.
Molecular consequence: inframe deletion.
Genome position (GRCh38, 1-based): chr16:2,088,117-2,088,128, GCCAGATGGCCC deleted; deleting any 12 consecutive bases within chr16:2,088,111-2,088,128 gives the same sequence; the c. name uses the placement nearest the transcript's 3' end. VCF-style (leftmost placement, unchanged base first): chr16-2088110-GTGGCCCGCCAGA-G. GRCh37 (hg19) VCF-style: chr16-2138111-GTGGCCCGCCAGA-G.
Other names: c.4937_4948del, p.Arg1646_Ala1649del (NM_001077183.3); c.5069_5080del, p.Arg1690_Ala1693del (NM_001114382.3); c.4829_4840del, p.Arg1610_Ala1613del (NM_001318827.2); c.4793_4804del, p.Arg1598_Ala1601del (NM_001318829.2); c.4406_4417del, p.Arg1469_Ala1472del (NM_001318831.2); c.4970_4981del, p.Arg1657_Ala1660del (NM_001318832.2); c.4940_4951del, p.Arg1647_Ala1650del (NM_001363528.2); c.5006_5017del, p.Arg1669_Ala1672del (NM_001370404.1); and 1 more.
Identifiers: ClinVar variation 421466 (VCV000421466.2), dbSNP rs1064795156, ClinGen allele CA16620104.
Genomic context (GRCh38, chr16:2,088,110, plus strand): 5'-ATGGAGGGCCTTGTGGACACCAGCGTGGCCAAGATCGTGTCTGACCGCAACCTGCCCTTC[GTGGCCCGCCAGA>G]TGGCCCTGCACGCAAATGTGAGTGGGGGTGGGTCCAGGCGTGAGCTGGTGGGACAGGCCC-3'

ClinVar aggregate classification (germline): Likely pathogenic (1 of 4 stars; one submission).

Submission:

GeneDx
Classification: Likely pathogenic. Last evaluated: 2016-06-17. Review status: criteria provided, single submitter. Criteria: GeneDx Variant Classification (06012015). Collection method: clinical testing. Allele origin: germline. Affected: yes.
Comment: A novel c.5138_5149del12 variant that is likely pathogenic has been identified in the TSC2 gene. The c.5138_5149del12 variant has not been published as a pathogenic variant, nor has it been reported as a benign variant to our knowledge. It was not observed in approximately 6,500 individuals of European and African American ancestry in the NHLBI Exome Sequencing Project, indicating it is not a common benign variant in these populations. The c.5138_5149del12 variant results in an in-frame deletion of four amino acids, denoted p.Arg1713_Ala1716del. This deletion occurs at a position predicted to be in the Rap-GAP domain that is conserved across species and another overlapping in-frame deletion (c.5144_5155del12) has been reported in the TSC2 gene in association with TSC2-related disorder (Stenson et al., 2014). However, the c.5138_5149del12 variant is not predicted to cause loss of normal protein function through protein truncation or nonsense-mediated mRNA decay. Therefore, this variant is likely pathogenic; however, the possibility that it is benign cannot be excluded.